The following is an entry in ClinVar:

ClinVar aggregate classification (germline): Uncertain significance (1 of 4 stars; one submission).

Conditions:
Hereditary cancer-predisposing syndrome. Also called: Neoplastic Syndromes, Hereditary; Tumor predisposition; Hereditary Cancer Syndrome; Hereditary neoplastic syndrome. Identifiers: Orphanet 140162, MedGen C0027672, MeSH D009386, MONDO:0015356.

Submission:

Ambry Genetics
Classification: Uncertain significance for Hereditary cancer-predisposing syndrome. Last evaluated: 2025-10-22. Review status: criteria provided, single submitter. Criteria: Ambry Variant Classification Scheme 2023. Collection method: clinical testing. Allele origin: germline.
Comment: The p.Q320L variant (also known as c.959A>T), located in coding exon 9 of the FANCC gene, results from an A to T substitution at nucleotide position 959. The glutamine at codon 320 is replaced by leucine, an amino acid with dissimilar properties. This amino acid position is conserved. In addition, this alteration is predicted to be tolerated by in silico analysis. Based on the available evidence, the clinical significance of this variant remains unclear.

NM_000136.3(FANCC):c.959A>T (p.Gln320Leu)

Genes: AOPEP (aminopeptidase O (putative); plus strand), FANCC (FA complementation group C; minus strand). Cytogenetic location: 9q22.32.
Variant type: single nucleotide variant.
Coding change: c.959A>T on transcript NM_000136.3 (MANE Select); coding-DNA position 959, A replaced by T.
Protein change: p.Gln320Leu; replaces glutamine 320 with leucine.
Molecular consequence: missense variant.
Genome position (GRCh38, 1-based): chr9:95,125,123, T>A on the plus strand (A>T on the coding strand, the complement: FANCC is on the minus strand). VCF-style: chr9-95125123-T-A. GRCh37 (hg19) VCF-style: chr9-97887405-T-A.
Other names: c.959A>T, p.Gln320Leu (NM_001243743.2, NM_001243744.2); short protein forms Q320L.
Identifiers: ClinVar variation 4641119 (VCV004641119.1).
Genomic context (GRCh38, chr9:95,125,123, plus strand): 5'-GTAATATATGTGATATAACAAACCTGCTTGCTTGCTTTCTCCAGAGCTTCTACAAAGCAC[T>A]GCGTAAACACCTGAATAGTGGCTATGATTTCCAGGGCCCCATCGGTTTCCAGGAGTGCAC-3'
Protein context (NP_000127.2, residues 310-330): EIIATIQVFT[Gln320Leu]CFVEALEKAS